The following is an entry in ClinVar:

Conditions:
Breast-ovarian cancer, familial, susceptibility to, 1 (BROVCA1). Also called: BRCA1 Hereditary Breast and Ovarian Cancer; OVARIAN CANCER, SUSCEPTIBILITY TO. Identifiers: Orphanet 145, MedGen C2676676, MONDO:0011450, OMIM 604370. Disease mechanism: loss of function.

Submission:

Brotman Baty Institute, University of Washington
No classification provided (evidence only). Condition: Breast-ovarian cancer, familial 1. Review status: no classification provided. Collection method: in vitro. Allele origin: not applicable. Functional consequence: functionally_normal.
ClinVar note: "not provided" was previously submitted as the classification for the variant. However, the classification appeared to be based only on an observation of functional data so it was converted to no classification on 2025-07-30.

NM_007294.4(BRCA1):c.5253A>C (p.Arg1751=)

Gene: BRCA1 (BRCA1 DNA repair associated; minus strand). Cytogenetic location: 17q21.31.
Variant type: single nucleotide variant.
Coding change: c.5253A>C on transcript NM_007294.4 (MANE Select); coding-DNA position 5253, A replaced by C.
Protein change: p.Arg1751=; no amino-acid change (arginine 1751 retained).
Molecular consequence: synonymous variant.
Genome position (GRCh38, 1-based): chr17:43,057,076, T>G on the plus strand (A>C on the coding strand, the complement: BRCA1 is on the minus strand). VCF-style: chr17-43057076-T-G. GRCh37 (hg19) VCF-style: chr17-41209093-T-G.
Other names: c.5253A>C, p.Arg1751= (NM_001407598.1, NM_001407602.1, NM_001407603.1 and 7 more transcripts); c.5250A>C, p.Arg1750= (NM_001407610.1, NM_001407611.1, NM_001407612.1 and 17 more transcripts); c.5247A>C, p.Arg1749= (NM_001407627.1, NM_001407628.1, NM_001407629.1 and 14 more transcripts); c.5244A>C, p.Arg1748= (NM_001407644.1, NM_001407645.1); c.5241A>C, p.Arg1747= (NM_001407646.1); c.5238A>C, p.Arg1746= (NM_001407647.1); c.5196A>C, p.Arg1732= (NM_001407648.1); c.5193A>C, p.Arg1731= (NM_001407649.1); and 72 more.
Identifiers: ClinVar variation 867891 (VCV000867891.3), dbSNP rs2051505002, ClinGen allele CA500144603.